The following is an entry in ClinVar:

ClinVar aggregate classification (germline): Uncertain significance (1 of 4 stars; one submission).

Conditions:
Hypertrophic cardiomyopathy. Also called: HYPERTROPHIC MYOCARDIOPATHY. Identifiers: Orphanet 217569, MedGen C0007194, MeSH D002312, MONDO:0005045, HP:0001639.

Submission:

Labcorp Genetics (formerly Invitae), Labcorp
Classification: Uncertain significance for Hypertrophic cardiomyopathy. Last evaluated: 2026-01-11. Review status: criteria provided, single submitter. Criteria: Invitae Variant Classification Sherloc (09022015). Collection method: clinical testing. Allele origin: germline.
Comment: This sequence change creates a premature translational stop signal (p.Trp152*) in the MYOZ2 gene. It is expected to result in an absent or disrupted protein product. However, the current clinical and genetic evidence is not sufficient to establish whether loss-of-function variants in MYOZ2 cause disease. This variant is not present in population databases (gnomAD no frequency). This variant has not been reported in the literature in individuals affected with MYOZ2-related conditions. ClinVar contains an entry for this variant (Variation ID: 2777423). In summary, the available evidence is currently insufficient to determine the role of this variant in disease. Therefore, it has been classified as a Variant of Uncertain Significance.

NM_016599.5(MYOZ2):c.456G>A (p.Trp152Ter)

Gene: MYOZ2 (myozenin 2; plus strand). Cytogenetic location: 4q26.
Variant type: single nucleotide variant.
Coding change: c.456G>A on transcript NM_016599.5 (MANE Select); coding-DNA position 456, G replaced by A.
Protein change: p.Trp152Ter; replaces tryptophan 152 with a stop codon.
Molecular consequence: nonsense.
Genome position (GRCh38, 1-based): chr4:119,164,290, G>A. VCF-style: chr4-119164290-G-A. GRCh37 (hg19) VCF-style: chr4-120085445-G-A.
Other names: short protein forms W152*.
Identifiers: ClinVar variation 2777423 (VCV002777423.3), dbSNP rs2529780375, ClinGen allele CA358204238.